The following is an entry in ClinVar:

ClinVar aggregate classification (germline): Uncertain significance. Review status: criteria provided, multiple submitters, no conflicts (2 of 4 stars). 2 submissions from 2 submitters: Uncertain significance (2). Last evaluated 2025-09-15.

Conditions:
Tietz syndrome (TADS). Also called: ALBINISM-DEAFNESS OF TIETZ; TIETZ ALBINISM-DEAFNESS SYNDROME; HYPOPIGMENTATION/DEAFNESS OF TIETZ. Identifiers: Orphanet 42665, MedGen C0391816, MONDO:0007077, OMIM 103500.
Melanoma, cutaneous malignant, susceptibility to, 8. Also called: MELANOMA AND RENAL CELL CARCINOMA, SUSCEPTIBILITY TO; Cutaneous malignant melanoma 8. Identifiers: Orphanet 293822, MedGen C3152204, MONDO:0013759, OMIM 614456.
Waardenburg syndrome type 2A (WS2A). Also called: WAARDENBURG SYNDROME WITHOUT DYSTOPIA CANTHORUM. Identifiers: Orphanet 3440, MedGen C1860339, MONDO:0008671, OMIM 193510.
Hereditary cancer-predisposing syndrome. Also called: Tumor predisposition; Hereditary Cancer Syndrome; Hereditary neoplastic syndrome; Neoplastic Syndromes, Hereditary. Identifiers: Orphanet 140162, MedGen C0027672, MeSH D009386, MONDO:0015356.

Allele frequency attached by ClinVar (database versions not stated): TOPMed 0.00002.
gnomAD v4.1: 9 of 1,613,806 alleles (0.00056%); highest among the groups gnomAD compares: Non-Finnish European, 0.00076%; no homozygotes.

Submissions (2):

Labcorp Genetics (formerly Invitae), Labcorp
Classification: Uncertain significance for Melanoma, cutaneous malignant, susceptibility to, 8; Waardenburg syndrome type 2A; Tietz syndrome. Last evaluated: 2025-09-15. Review status: criteria provided, single submitter. Criteria: Invitae Variant Classification Sherloc (09022015). Collection method: clinical testing. Allele origin: germline.
Comment: This sequence change replaces proline, which is neutral and non-polar, with leucine, which is neutral and non-polar, at codon 165 of the MITF protein (p.Pro165Leu). This variant is present in population databases (rs768418058, gnomAD 0.002%). This variant has not been reported in the literature in individuals affected with MITF-related conditions. ClinVar contains an entry for this variant (Variation ID: 1971795). Invitae Evidence Modeling of protein sequence and biophysical properties (such as structural, functional, and spatial information, amino acid conservation, physicochemical variation, residue mobility, and thermodynamic stability) indicates that this missense variant is not expected to disrupt MITF protein function with a negative predictive value of 80%. In summary, the available evidence is currently insufficient to determine the role of this variant in disease. Therefore, it has been classified as a Variant of Uncertain Significance.

Ambry Genetics
Classification: Uncertain significance for Hereditary cancer-predisposing syndrome. Last evaluated: 2025-01-27. Review status: criteria provided, single submitter. Criteria: Ambry Variant Classification Scheme 2023. Collection method: clinical testing. Allele origin: germline.
Comment: The p.P165L variant (also known as c.494C>T), located in coding exon 5 of the MITF gene, results from a C to T substitution at nucleotide position 494. The proline at codon 165 is replaced by leucine, an amino acid with similar properties. This amino acid position is conserved. In addition, this alteration is predicted to be tolerated by in silico analysis. Based on the available evidence, the clinical significance of this variant remains unclear.

NM_001354604.2(MITF):c.815C>T (p.Pro272Leu)

Gene: MITF (melanocyte inducing transcription factor; plus strand). Cytogenetic location: 3p13.
Variant type: single nucleotide variant.
Coding change: c.815C>T on transcript NM_001354604.2 (MANE Select); coding-DNA position 815, C replaced by T.
Protein change: p.Pro272Leu; replaces proline 272 with leucine.
Molecular consequence: missense variant.
Genome position (GRCh38, 1-based): chr3:69,949,103, C>T. VCF-style: chr3-69949103-C-T. GRCh37 (hg19) VCF-style: chr3-69998254-C-T.
Other names: c.494C>T, p.Pro165Leu (NM_000248.4, NM_198158.3); c.659C>T, p.Pro220Leu (NM_001184967.2, NM_001354608.2); c.812C>T, p.Pro271Leu (NM_001354605.2, NM_001354606.2, NM_006722.3); c.764C>T, p.Pro255Leu (NM_001354607.2); c.815C>T, p.Pro272Leu (NM_198159.3); c.767C>T, p.Pro256Leu (NM_198177.3); c.326C>T, p.Pro109Leu (NM_198178.3); short protein forms P109L, P271L, P272L, P220L, P165L, P256L, P255L.
Identifiers: ClinVar variation 1971795 (VCV001971795.5), dbSNP rs768418058, ClinGen allele CA2490479.